The following is an entry in ClinVar:

NM_002471.4(MYH6):c.201+9G>A

Genes: MYH6 (myosin heavy chain 6; minus strand), LOC114827851 (VISTA enhancer hs2155; plus strand). Cytogenetic location: 14q11.2.
Variant type: single nucleotide variant.
Coding change: c.201+9G>A on transcript NM_002471.4 (MANE Select); 9 bases into the intron after coding-DNA position 201, G replaced by A.
Molecular consequence: intron variant.
Genome position (GRCh38, 1-based): chr14:23,407,014, C>T on the plus strand (G>A on the coding strand, the complement: MYH6 is on the minus strand). VCF-style: chr14-23407014-C-T. GRCh37 (hg19) VCF-style: chr14-23876223-C-T.
Other names: c.201+9G>A (NM_002471.3).
Identifiers: ClinVar variation 1145340 (VCV001145340.11), dbSNP rs781068852, ClinGen allele CA7116249.

ClinVar aggregate classification (germline): Likely benign. Review status: criteria provided, multiple submitters, no conflicts (2 of 4 stars). 3 submissions from 3 submitters: Likely benign (3). Last evaluated 2025-11-07.

Conditions:
Hypertrophic cardiomyopathy 14. Identifiers: MedGen C2750467, MONDO:0013197, OMIM 613251.
MYH6-related disorder. Also called: MYH6-related condition; MYH6-Related Disorders.

Allele frequency attached by ClinVar (database versions not stated): gnomAD 0.00005 and 0.00006; gnomAD exomes 0.00007 and 0.00009; TOPMed 0.00008; ExAC 0.00018.
gnomAD v4.1: 111 of 1,613,866 alleles (0.0069%); highest among the groups gnomAD compares: Non-Finnish European, 0.0083%; no homozygotes.

Submissions (3):

Labcorp Genetics (formerly Invitae), Labcorp
Classification: Likely benign for Hypertrophic cardiomyopathy 14. Last evaluated: 2025-11-07. Review status: criteria provided, single submitter. Criteria: Invitae Variant Classification Sherloc (09022015). Collection method: clinical testing. Allele origin: germline.

PreventionGenetics, part of Exact Sciences
Classification: Likely benign for MYH6-related condition. Last evaluated: 2025-06-18. Review status: criteria provided, single submitter. Criteria: ACMG Guidelines, 2015. Collection method: clinical testing. Allele origin: germline.
Comment: This variant is classified as likely benign based on ACMG/AMP sequence variant interpretation guidelines (Richards et al. 2015 PMID: 25741868, with internal and published modifications).

Blueprint Genetics
Classification: Likely benign. Last evaluated: 2024-05-30. Review status: criteria provided, single submitter. Criteria: ACMG Guidelines, 2015. Collection method: clinical testing. Allele origin: germline.